The following is an entry in ClinVar:

ClinVar aggregate classification (germline): Uncertain significance. Review status: criteria provided, multiple submitters, no conflicts (2 of 4 stars). 4 submissions from 4 submitters: Uncertain significance (4). Last evaluated 2026-02-09.

Conditions:
Familial thoracic aortic aneurysm and aortic dissection (TAAD). Also called: Thoracic aortic aneurysms and dissections. Identifiers: Orphanet 91387, MedGen C4707243, MONDO:0019625.
Loeys-Dietz syndrome 2 (LDS2). Also called: TGFBR2-Related Loeys-Dietz Syndrome; AORTIC ANEURYSM, FAMILIAL THORACIC 3; MARFAN SYNDROME, TYPE II; Marfan syndrome, type 2 (formerly); Marfan Syndrome type 2; Marfan like connective tissue disorder. Identifiers: Orphanet 284973, Orphanet 558, MedGen C2674574, MONDO:0012427, OMIM 610168.

Allele frequency attached by ClinVar (database versions not stated): gnomAD exomes below 0.00001; gnomAD 0.00001.
gnomAD v4.1: 3 of 1,607,512 alleles (0.00019%); highest among the groups gnomAD compares: African/African-American, 0.0013%; no homozygotes.

Submissions (4):

Dasa
Classification: Uncertain significance. Last evaluated: 2026-02-09. Review status: criteria provided, single submitter. Criteria: DASA Assertion Criteria. Collection method: clinical testing. Allele origin: germline.
Comment: NM_003242.6(TGFBR2):c.1115A>G (p.Lys372Arg) is a missense variant that results in the substitution of lysine with arginine. The affected residue or protein region has prior evidence supporting clinical relevance. This variant is rare in population databases. Computational prediction algorithms are consistent with a deleterious effect. The currently available literature and clinical evidence are not sufficient to establish a definitive association between this variant and the reported condition. Therefore, this variant is classified as a variant of uncertain significance.

All of Us Research Program, National Institutes of Health
Classification: Uncertain significance for Loeys-Dietz syndrome 2. Last evaluated: 2023-08-15. Review status: criteria provided, single submitter. Criteria: ACMG Guidelines, 2015. Collection method: clinical testing. Allele origin: germline. Inheritance: Autosomal dominant inheritance. Observed: 1 variant allele, 1 heterozygote.
Comment: This study involves interpretation of variants in research participants for the purpose of population health screening. Participant phenotype was not available at the time of variant classification. Additional details can be found in publication PMID: 35346344, PMCID: PMC8962531

Revvity Omics, Revvity
Classification: Uncertain significance. Last evaluated: 2021-01-12. Review status: criteria provided, single submitter. Criteria: ACMG Guidelines, 2015. Collection method: clinical testing. Allele origin: germline.

Ambry Genetics
Classification: Uncertain significance for Familial thoracic aortic aneurysm and aortic dissection. Last evaluated: 2016-05-03. Review status: criteria provided, single submitter. Criteria: Ambry Variant Classification Scheme 2023. Collection method: clinical testing. Allele origin: germline.
Comment: The p.K372R variant (also known as c.1115A>G), located in coding exon 4 of the TGFBR2 gene, results from an A to G substitution at nucleotide position 1115. The lysine at codon 372 is replaced by arginine, an amino acid with highly similar properties. This variant has been reported in a proband with cervical artery dissection and some features consistent with connective tissue disorder; however, the variant was also detected in the proband's reportedly unaffected mother and child (Pezzini A et al. J Neurol Neurosurg Psychiatr. 2011;82(12):1372-4). This variant was not reported in population based cohorts in the following databases: Database of Single Nucleotide Polymorphisms (dbSNP), NHLBI Exome Sequencing Project (ESP), and 1000 Genomes Project. In the ESP, this variant was not observed in 6503 samples (13006 alleles) with coverage at this position. This amino acid position is highly conserved in available vertebrate species. In addition, this alteration is predicted to be deleterious by in silico analysis. Since supporting evidence is limited at this time, the clinical significance of this alteration remains unclear.

Literature cited by the submitters: PubMed 21270064 (cited by Ambry Genetics).

NM_003242.6(TGFBR2):c.1115A>G (p.Lys372Arg)

Gene: TGFBR2 (transforming growth factor beta receptor 2; plus strand). Cytogenetic location: 3p24.1.
Variant type: single nucleotide variant.
Coding change: c.1115A>G on transcript NM_003242.6 (MANE Select); coding-DNA position 1115, A replaced by G.
Protein change: p.Lys372Arg; replaces lysine 372 with arginine.
Molecular consequence: missense variant.
Genome position (GRCh38, 1-based): chr3:30,672,298, A>G. VCF-style: chr3-30672298-A-G. GRCh37 (hg19) VCF-style: chr3-30713790-A-G.
Other names: c.1190A>G, p.Lys397Arg (NM_001024847.3); c.1298A>G, p.Lys433Arg (NM_001407126.1); c.1223A>G, p.Lys408Arg (NM_001407127.1); c.1142A>G, p.Lys381Arg (NM_001407128.1); c.1118A>G, p.Lys373Arg (NM_001407129.1); c.1115A>G, p.Lys372Arg (NM_001407130.1); c.1010A>G, p.Lys337Arg (NM_001407132.1, NM_001407133.1, NM_001407134.1 and 2 more transcripts); c.830A>G, p.Lys277Arg (NM_001407137.1); and 1 more; short protein forms K252R, K277R, K372R, K408R, K337R, K433R, K397R, K373R.
Identifiers: ClinVar variation 1796098 (VCV001796098.8), dbSNP rs1699357617, ClinGen allele CA351808569.